The following is an entry in ClinVar:

ClinVar aggregate classification (germline): Uncertain significance (1 of 4 stars; one submission).

Conditions:
FG syndrome (FGS). Identifiers: MedGen C0220769, MONDO:0002010.

Submission:

Labcorp Genetics (formerly Invitae), Labcorp
Classification: Uncertain significance for FG syndrome. Last evaluated: 2025-06-23. Review status: criteria provided, single submitter. Criteria: Invitae Variant Classification Sherloc (09022015). Collection method: clinical testing. Allele origin: germline.
Comment: This sequence change replaces glutamine, which is neutral and polar, with glutamic acid, which is acidic and polar, at codon 2128 of the MED12 protein (p.Gln2128Glu). This variant is not present in population databases (gnomAD no frequency). This variant has not been reported in the literature in individuals affected with MED12-related conditions. Invitae Evidence Modeling of protein sequence and biophysical properties (such as structural, functional, and spatial information, amino acid conservation, physicochemical variation, residue mobility, and thermodynamic stability) indicates that this missense variant is not expected to disrupt MED12 protein function with a negative predictive value of 95%. In summary, the available evidence is currently insufficient to determine the role of this variant in disease. Therefore, it has been classified as a Variant of Uncertain Significance.

NM_005120.3(MED12):c.6382C>G (p.Gln2128Glu)

Gene: MED12 (mediator complex subunit 12; plus strand). Cytogenetic location: Xq13.1.
Variant type: single nucleotide variant.
Coding change: c.6382C>G on transcript NM_005120.3 (MANE Select); coding-DNA position 6382, C replaced by G.
Protein change: p.Gln2128Glu; replaces glutamine 2128 with glutamic acid.
Molecular consequence: missense variant.
Genome position (GRCh38, 1-based): chrX:71,141,344, C>G. VCF-style: chrX-71141344-C-G. GRCh37 (hg19) VCF-style: chrX-70361194-C-G.
Other names: short protein forms Q2128E.
Identifiers: ClinVar variation 4801090 (VCV004801090.1).